The following is an entry in ClinVar:

ClinVar aggregate classification (germline): Uncertain significance (1 of 4 stars; one submission).

Allele frequency attached by ClinVar (database versions not stated): gnomAD exomes 0.00001.
gnomAD v4.1: 12 of 1,613,352 alleles (0.00074%); highest among the groups gnomAD compares: Non-Finnish European, 0.001%; no homozygotes.

Submission:

GeneDx
Classification: Uncertain significance. Last evaluated: 2022-10-03. Review status: criteria provided, single submitter. Criteria: GeneDx Variant Classification Process June 2021. Collection method: clinical testing. Allele origin: germline. Affected: yes.
Comment: Not observed at significant frequency in large population cohorts (gnomAD); In silico analysis supports that this missense variant has a deleterious effect on protein structure/function; Has not been previously published as pathogenic or benign to our knowledge

NM_000540.3(RYR1):c.13664A>G (p.Tyr4555Cys)

Gene: RYR1 (ryanodine receptor 1; plus strand). Cytogenetic location: 19q13.2.
Variant type: single nucleotide variant.
Coding change: c.13664A>G on transcript NM_000540.3 (MANE Select); coding-DNA position 13664, A replaced by G.
Protein change: p.Tyr4555Cys; replaces tyrosine 4555 with cysteine.
Molecular consequence: missense variant.
Genome position (GRCh38, 1-based): chr19:38,570,611, A>G. VCF-style: chr19-38570611-A-G. GRCh37 (hg19) VCF-style: chr19-39061251-A-G.
Other names: c.13649A>G, p.Tyr4550Cys (NM_001042723.2); short protein forms Y4550C, Y4555C.
Identifiers: ClinVar variation 2497874 (VCV002497874.1), dbSNP rs1436595293, ClinGen allele CA405678674.
Genomic context (GRCh38, chr19:38,570,611, plus strand): 5'-CTCCAGGGAAGAGGCTGATCTGTGAGCGCTTTCTCTCTTTTTCTCTTCTCTCTCAGAACT[A>G]CCTGTCCCGGAACTTTTACACCCTGCGGTTCCTTGCCCTCTTCTTGGCATTTGCCATCAA-3'
Protein context (NP_000531.2, residues 4545-4565): LEVQRVKFLN[Tyr4555Cys]LSRNFYTLRF